The following is an entry in ClinVar:

ClinVar aggregate classification (germline): Uncertain significance. Review status: criteria provided, multiple submitters, no conflicts (2 of 4 stars). 4 submissions from 4 submitters: Uncertain significance (4). Last evaluated 2026-01-23.

Conditions:
Inborn genetic diseases. Identifiers: MedGen C0950123, MeSH D030342.
TSPEAR-related disorder. Also called: TSPEAR-related condition.

Allele frequency attached by ClinVar (database versions not stated): TOPMed 0.00002; ExAC 0.00003; gnomAD exomes 0.00006 and 0.00002; 1000 Genomes Project 30x 0.00016; 1000 Genomes Project 0.00020; gnomAD 0.00001 and 0.00002.
gnomAD v4.1: 24 of 1,612,494 alleles (0.0015%); highest among the groups gnomAD compares: Admixed American, 0.023%; no homozygotes.

Submissions (4):

PreventionGenetics, part of Exact Sciences
Classification: Uncertain significance for TSPEAR-related condition. Last evaluated: 2026-01-23. Review status: criteria provided, single submitter. Criteria: ACMG Guidelines, 2015. Collection method: clinical testing. Allele origin: germline.
Comment: The TSPEAR c.449C>T variant is predicted to result in the amino acid substitution p.Pro150Leu. To our knowledge, this variant has not been reported in the literature. This variant is reported in 0.032% of alleles in individuals of Latino descent in gnomAD. At this time, the clinical significance of this variant is uncertain due to the absence of conclusive functional and genetic evidence.

Ambry Genetics
Classification: Uncertain significance for Inborn genetic diseases. Last evaluated: 2024-11-24. Review status: criteria provided, single submitter. Criteria: Ambry Variant Classification Scheme 2023. Collection method: clinical testing. Allele origin: germline.

Labcorp Genetics (formerly Invitae), Labcorp
Classification: Uncertain significance. Last evaluated: 2022-12-06. Review status: criteria provided, single submitter. Criteria: Invitae Variant Classification Sherloc (09022015). Collection method: clinical testing. Allele origin: germline.
Comment: This sequence change replaces proline, which is neutral and non-polar, with leucine, which is neutral and non-polar, at codon 150 of the TSPEAR protein (p.Pro150Leu). This variant is present in population databases (rs587719421, gnomAD 0.03%). This variant has not been reported in the literature in individuals affected with TSPEAR-related conditions. ClinVar contains an entry for this variant (Variation ID: 1369217). Advanced modeling of protein sequence and biophysical properties (such as structural, functional, and spatial information, amino acid conservation, physicochemical variation, residue mobility, and thermodynamic stability) performed at Invitae indicates that this missense variant is not expected to disrupt TSPEAR protein function. In summary, the available evidence is currently insufficient to determine the role of this variant in disease. Therefore, it has been classified as a Variant of Uncertain Significance.

GeneDx
Classification: Uncertain significance. Last evaluated: 2022-10-27. Review status: criteria provided, single submitter. Criteria: GeneDx Variant Classification Process June 2021. Collection method: clinical testing. Allele origin: germline. Affected: yes.
Comment: In silico analysis supports that this missense variant does not alter protein structure/function; Has not been previously published as pathogenic or benign to our knowledge

NM_144991.3(TSPEAR):c.449C>T (p.Pro150Leu)

Gene: TSPEAR (thrombospondin type laminin G domain and EAR repeats; minus strand). Cytogenetic location: 21q22.3.
Variant type: single nucleotide variant.
Coding change: c.449C>T on transcript NM_144991.3 (MANE Select); coding-DNA position 449, C replaced by T.
Protein change: p.Pro150Leu; replaces proline 150 with leucine.
Molecular consequence: missense variant.
Genome position (GRCh38, 1-based): chr21:44,533,778, G>A on the plus strand (C>T on the coding strand, the complement: TSPEAR is on the minus strand). VCF-style: chr21-44533778-G-A. GRCh37 (hg19) VCF-style: chr21-45953661-G-A.
Other names: c.449C>T (NM_144991.2); c.245C>T, p.Pro82Leu (NM_001272037.2); short protein forms P150L, P82L.
Identifiers: ClinVar variation 1369217 (VCV001369217.9), dbSNP rs587719421, ClinGen allele CA10057016.
Genomic context (GRCh38, chr21:44,533,778, plus strand): 5'-GAGAAGACGCCTGCGGACACAGCCAGGACCAGTGTGTGCCAGCGGCCATCCACCAGGGCC[G>A]GGCTGCGGAAGGACACTCGGGTCTGCCAGGCGCCGGCCGTGTCCTCGCGAAGGAACAGGA-3'
Protein context (NP_659428.2, residues 140-160): AWQTRVSFRS[Pro150Leu]ALVDGRWHTL